The following is an entry in ClinVar:

ClinVar aggregate classification (germline): Uncertain significance (1 of 4 stars; one submission).

Allele frequency attached by ClinVar (database versions not stated): ExAC 0.00001; gnomAD 0.00001; TOPMed 0.00001.
gnomAD v4.1: 14 of 1,612,890 alleles (0.00087%); highest among the groups gnomAD compares: South Asian, 0.0033%; no homozygotes.

Submission:

Labcorp Genetics (formerly Invitae), Labcorp
Classification: Uncertain significance. Last evaluated: 2025-04-21. Review status: criteria provided, single submitter. Criteria: Invitae Variant Classification Sherloc (09022015). Collection method: clinical testing. Allele origin: germline.
Comment: This sequence change replaces arginine, which is basic and polar, with cysteine, which is neutral and slightly polar, at codon 363 of the CHRM2 protein (p.Arg363Cys). This variant is present in population databases (rs772049510, gnomAD 0.007%). This variant has not been reported in the literature in individuals affected with CHRM2-related conditions. ClinVar contains an entry for this variant (Variation ID: 2145323). An algorithm developed to predict the effect of missense changes on protein structure and function (PolyPhen-2) suggests that this variant is likely to be tolerated. In summary, the available evidence is currently insufficient to determine the role of this variant in disease. Therefore, it has been classified as a Variant of Uncertain Significance.

NM_001006630.2(CHRM2):c.1087C>T (p.Arg363Cys)

Genes: CHRM2 (cholinergic receptor muscarinic 2; plus strand), LOC349160 (uncharacterized LOC349160; minus strand). Cytogenetic location: 7q33.
Variant type: single nucleotide variant.
Coding change: c.1087C>T on transcript NM_001006630.2 (MANE Select); coding-DNA position 1087, C replaced by T.
Protein change: p.Arg363Cys; replaces arginine 363 with cysteine.
Molecular consequence: missense variant.
Genome position (GRCh38, 1-based): chr7:137,015,952, C>T. VCF-style: chr7-137015952-C-T. GRCh37 (hg19) VCF-style: chr7-136700699-C-T.
Other names: c.1087C>T, p.Arg363Cys (NM_000739.3, NM_001006626.3, NM_001006627.3 and 6 more transcripts); short protein forms R363C.
Identifiers: ClinVar variation 2145323 (VCV002145323.4), dbSNP rs772049510, ClinGen allele CA4500615.